The following is an entry in ClinVar:

NM_001558.4(IL10RA):c.1247C>T (p.Thr416Ile)

Gene: IL10RA (interleukin 10 receptor subunit alpha; plus strand). Cytogenetic location: 11q23.3.
Variant type: single nucleotide variant.
Coding change: c.1247C>T on transcript NM_001558.4 (MANE Select); coding-DNA position 1247, C replaced by T.
Protein change: p.Thr416Ile; replaces threonine 416 with isoleucine.
Molecular consequence: missense variant. On other transcripts: non-coding transcript variant (1).
Genome position (GRCh38, 1-based): chr11:117,999,151, C>T. VCF-style: chr11-117999151-C-T. GRCh37 (hg19) VCF-style: chr11-117869866-C-T.
Other names: short protein forms T416I.
Identifiers: ClinVar variation 1015464 (VCV001015464.9), dbSNP rs200254237, ClinGen allele CA6299144.

ClinVar aggregate classification (germline): Uncertain significance (1 of 4 stars; one submission).

Conditions:
Inflammatory bowel disease 28. Also called: Inflammatory bowel disease 28, early onset, autosomal recessive. Identifiers: Orphanet 238569, MedGen C2751053, MONDO:0013153, OMIM 613148.

Allele frequency attached by ClinVar (database versions not stated): gnomAD 0.00001; gnomAD exomes 0.00002; ExAC 0.00003; 1000 Genomes Project 30x 0.00016; 1000 Genomes Project 0.00020.

Submission:

Labcorp Genetics (formerly Invitae), Labcorp
Classification: Uncertain significance for Inflammatory bowel disease 28. Last evaluated: 2022-09-24. Review status: criteria provided, single submitter. Criteria: Invitae Variant Classification Sherloc (09022015). Collection method: clinical testing. Allele origin: germline.
Comment: In summary, the available evidence is currently insufficient to determine the role of this variant in disease. Therefore, it has been classified as a Variant of Uncertain Significance. Advanced modeling of protein sequence and biophysical properties (such as structural, functional, and spatial information, amino acid conservation, physicochemical variation, residue mobility, and thermodynamic stability) performed at Invitae indicates that this missense variant is not expected to disrupt IL10RA protein function. ClinVar contains an entry for this variant (Variation ID: 1015464). This variant has not been reported in the literature in individuals affected with IL10RA-related conditions. This variant is present in population databases (rs200254237, gnomAD 0.01%). This sequence change replaces threonine, which is neutral and polar, with isoleucine, which is neutral and non-polar, at codon 416 of the IL10RA protein (p.Thr416Ile).